The following is an entry in ClinVar:

ClinVar aggregate classification (germline): Pathogenic (1 of 4 stars; one submission).

Conditions:
Curry-Hall syndrome (WAD). Also called: WEYERS ACRODENTAL DYSOSTOSIS. Identifiers: Orphanet 952, MedGen C0457013, MONDO:0008673, OMIM 193530.
Ellis-van Creveld syndrome (EVC). Also called: EVC-Related Ellis-van Creveld Syndrome; EVC2-Related Ellis-van Creveld Syndrome; Chondroectodermal dysplasia; MESOECTODERMAL DYSPLASIA. Identifiers: Orphanet 289, MedGen C0013903, MONDO:0009162, OMIM 225500.

Submission:

Labcorp Genetics (formerly Invitae), Labcorp
Classification: Pathogenic for Curry-Hall syndrome; Ellis-van Creveld syndrome. Last evaluated: 2022-03-20. Review status: criteria provided, single submitter. Criteria: Invitae Variant Classification Sherloc (09022015). Collection method: clinical testing. Allele origin: germline.
Comment: This sequence change creates a premature translational stop signal (p.Ala31Profs*85) in the EVC gene. It is expected to result in an absent or disrupted protein product. Loss-of-function variants in EVC are known to be pathogenic (PMID: 23220543). This variant is not present in population databases (gnomAD no frequency). This variant has not been reported in the literature in individuals affected with EVC-related conditions. For these reasons, this variant has been classified as Pathogenic.

Literature cited by the submitters: PubMed 23220543.

NM_153717.3(EVC):c.90del (p.Ala31fs)

Gene: EVC (EvC ciliary complex subunit 1; plus strand). Cytogenetic location: 4p16.2.
Variant type: Deletion.
Coding change: c.90del on transcript NM_153717.3 (MANE Select); coding-DNA position 90, one base deleted (C; older notation c.90delC).
Protein change: p.Ala31fs; shifts the reading frame from alanine 31.
Molecular consequence: frameshift variant.
Genome position (GRCh38, 1-based): chr4:5,711,470, C deleted; the last of 5 consecutive C bases (chr4:5,711,466-5,711,470); deleting any one gives the same sequence. VCF-style (leftmost placement, unchanged base first): chr4-5711465-GC-G. GRCh37 (hg19) VCF-style: chr4-5713192-GC-G.
Other names: c.90del, p.Ala31fs (NM_001306090.2, NM_001306092.2); short protein forms A31fs.
Identifiers: ClinVar variation 1393169 (VCV001393169.7), dbSNP rs1196950486, ClinGen allele CA549403050.